The following is an entry in ClinVar:

ClinVar aggregate classification (germline): Uncertain significance (1 of 4 stars; one submission).

Conditions:
SEMA3C-related disorder. Also called: SEMA3C-related condition.

Submission:

PreventionGenetics, part of Exact Sciences
Classification: Uncertain significance for SEMA3C-related condition. Last evaluated: 2026-03-21. Review status: criteria provided, single submitter. Criteria: ACMG Guidelines, 2015. Collection method: clinical testing. Allele origin: germline.
Comment: The SEMA3C c.1924A>T variant is predicted to result in the amino acid substitution p.Thr642Ser. To our knowledge, this variant has not been reported in the literature or in a large population database (gnomAD), indicating this variant is rare. At this time, the clinical significance of this variant is uncertain due to the absence of conclusive functional and genetic evidence.

NM_006379.5(SEMA3C):c.1870A>T (p.Thr624Ser)

Gene: SEMA3C (semaphorin 3C; minus strand). Cytogenetic location: 7q21.11.
Variant type: single nucleotide variant.
Coding change: c.1870A>T on transcript NM_006379.5 (MANE Select); coding-DNA position 1870, A replaced by T.
Protein change: p.Thr624Ser; replaces threonine 624 with serine.
Molecular consequence: missense variant.
Genome position (GRCh38, 1-based): chr7:80,745,280, T>A on the plus strand (A>T on the coding strand, the complement: SEMA3C is on the minus strand). VCF-style: chr7-80745280-T-A. GRCh37 (hg19) VCF-style: chr7-80374596-T-A.
Other names: c.1924A>T, p.Thr642Ser (NM_001350120.2); c.1696A>T, p.Thr566Ser (NM_001350121.2); short protein forms T566S, T642S, T624S.
Identifiers: ClinVar variation 4990852 (VCV004990852.1).
Genomic context (GRCh38, chr7:80,745,280, plus strand): 5'-TGCAGTGATAAAGTCCTTGGTCAGAACCCTGAACAGAGCGGATCAGGAGTCCCTGTGAAG[T>A]GGCTATTATTCGTTCATTCAGCTTAACCTAAAAGAGAGACAAATTAAAGTTACTGAAACT-3'
Protein context (NP_006370.1, residues 614-634): EVKLNERIIA[Thr624Ser]SQGLLIRSVQ